The following is an entry in ClinVar:

ClinVar aggregate classification (germline): Pathogenic. Review status: criteria provided, multiple submitters, no conflicts (2 of 4 stars). 2 submissions from 2 submitters: Pathogenic (2). Last evaluated 2021-07-31.

Conditions:
Retinitis pigmentosa 25 (RP25). Identifiers: Orphanet 791, MedGen C1864446, MONDO:0011272, OMIM 602772.

Submissions (2):

Labcorp Genetics (formerly Invitae), Labcorp
Classification: Pathogenic. Last evaluated: 2021-07-31. Review status: criteria provided, single submitter. Criteria: Invitae Variant Classification Sherloc (09022015). Collection method: clinical testing. Allele origin: germline.
Comment: This variant is not present in population databases (ExAC no frequency). This sequence change creates a premature translational stop signal (p.Gly941Metfs*11) in the EYS gene. It is expected to result in an absent or disrupted protein product. Loss-of-function variants in EYS are known to be pathogenic (PMID: 18836446, 20333770). For these reasons, this variant has been classified as Pathogenic. ClinVar contains an entry for this variant (Variation ID: 802238). This variant has not been reported in the literature in individuals affected with EYS-related conditions.

Mendelics
Classification: Pathogenic for Retinitis pigmentosa 25. Last evaluated: 2019-05-28. Review status: criteria provided, single submitter. Criteria: Mendelics Assertion Criteria 2017. Collection method: clinical testing. Allele origin: unknown.

Literature cited by the submitters: PubMed 18836446 (cited by Labcorp Genetics (formerly Invitae), Labcorp); PubMed 20333770 (cited by Labcorp Genetics (formerly Invitae), Labcorp).

NM_001142800.2(EYS):c.2820_2824del (p.Gly941fs)

Gene: EYS (EGF-like photoreceptor maintenance factor; minus strand). Cytogenetic location: 6q12.
Variant type: Deletion.
Coding change: c.2820_2824del on transcript NM_001142800.2 (MANE Select); coding-DNA positions 2820 to 2824, 5 bases deleted (TGGAA; older notation c.2820_2824delTGGAA).
Protein change: p.Gly941fs; shifts the reading frame from glycine 941.
Molecular consequence: frameshift variant.
Genome position (GRCh38, 1-based): chr6:64,902,135-64,902,139, TTCCA deleted on the plus strand (TGGAA on the coding strand, the reverse complement: EYS is on the minus strand); deleting any 5 consecutive bases within chr6:64,902,135-64,902,141 gives the same sequence; the c. name uses the placement nearest the transcript's 3' end. VCF-style (leftmost placement, unchanged base first): chr6-64902134-GTTCCA-G. GRCh37 (hg19) VCF-style: chr6-65612027-GTTCCA-G.
Other names: c.2820_2824del, p.Gly941fs (NM_001292009.2); short protein forms G941fs.
Identifiers: ClinVar variation 802238 (VCV000802238.6), dbSNP rs1583277585, ClinGen allele CA915944331.